The following is an entry in ClinVar:

NM_003072.5(SMARCA4):c.1331G>A (p.Arg444His)

Gene: SMARCA4 (SWI/SNF related BAF chromatin remodeling complex subunit ATPase 4; plus strand). Cytogenetic location: 19p13.2.
Variant type: single nucleotide variant.
Coding change: c.1331G>A on transcript NM_003072.5 (MANE Select); coding-DNA position 1331, G replaced by A.
Protein change: p.Arg444His; replaces arginine 444 with histidine.
Molecular consequence: missense variant. On other transcripts: non-coding transcript variant (1).
Genome position (GRCh38, 1-based): chr19:10,991,235, G>A. VCF-style: chr19-10991235-G-A. GRCh37 (hg19) VCF-style: chr19-11101911-G-A.
Other names: c.1331G>A, p.Arg444His (NM_001128844.3, NM_001128845.2, NM_001128846.2 and 6 more transcripts); short protein forms R444H.
Identifiers: ClinVar variation 3445956 (VCV003445956.2).

ClinVar aggregate classification (germline): Uncertain significance. Review status: criteria provided, multiple submitters, no conflicts (2 of 4 stars). 2 submissions from 2 submitters: Uncertain significance (2). Last evaluated 2025-12-22.

Conditions:
Rhabdoid tumor predisposition syndrome 2 (RTPS2). Identifiers: Orphanet 231108, Orphanet 69077, MedGen C2750074, MONDO:0013224, OMIM 613325.
Hereditary cancer-predisposing syndrome. Also called: Tumor predisposition; Neoplastic Syndromes, Hereditary; Hereditary neoplastic syndrome; Hereditary Cancer Syndrome. Identifiers: Orphanet 140162, MedGen C0027672, MeSH D009386, MONDO:0015356.

gnomAD v4.1: 1 of 1,613,448 alleles (0.000062%); no homozygotes.

Submissions (2):

Labcorp Genetics (formerly Invitae), Labcorp
Classification: Uncertain significance for Rhabdoid tumor predisposition syndrome 2. Last evaluated: 2025-12-22. Review status: criteria provided, single submitter. Criteria: Invitae Variant Classification Sherloc (09022015). Collection method: clinical testing. Allele origin: germline.
Comment: This sequence change replaces arginine, which is basic and polar, with histidine, which is basic and polar, at codon 444 of the SMARCA4 protein (p.Arg444His). The frequency data for this variant in the population databases is considered unreliable, as metrics indicate poor data quality at this position in the gnomAD database. This variant has not been reported in the literature in individuals affected with SMARCA4-related conditions. ClinVar contains an entry for this variant (Variation ID: 3445956). Invitae Evidence Modeling of protein sequence and biophysical properties (such as structural, functional, and spatial information, amino acid conservation, physicochemical variation, residue mobility, and thermodynamic stability) has been performed for this missense variant. However, the output from this modeling did not meet the statistical confidence thresholds required to predict the impact of this variant on SMARCA4 protein function. In summary, the available evidence is currently insufficient to determine the role of this variant in disease. Therefore, it has been classified as a Variant of Uncertain Significance.

Ambry Genetics
Classification: Uncertain significance for Hereditary cancer-predisposing syndrome. Last evaluated: 2024-08-02. Review status: criteria provided, single submitter. Criteria: Ambry Variant Classification Scheme 2023. Collection method: clinical testing. Allele origin: germline.
Comment: The p.R444H variant (also known as c.1331G>A), located in coding exon 7 of the SMARCA4 gene, results from a G to A substitution at nucleotide position 1331. The arginine at codon 444 is replaced by histidine, an amino acid with highly similar properties. This amino acid position is highly conserved in available vertebrate species. In addition, the in silico prediction for this alteration is inconclusive. Based on the available evidence, the clinical significance of this variant remains unclear.